The following is an entry in ClinVar:

ClinVar aggregate classification (germline): Likely benign. Review status: criteria provided, single submitter (1 of 4 stars). 2 submissions from 2 submitters: Likely benign (1). 1 of the submissions does not count toward it. Last evaluated 2024-09-24.

Conditions:
COL18A1-related disorder. Also called: COL18A1-related disorders; COL18A1-related condition.

Submissions (2):

Blueprint Genetics
Classification: Likely benign. Last evaluated: 2024-09-24. Review status: criteria provided, single submitter. Criteria: ACMG Guidelines, 2015. Collection method: clinical testing. Allele origin: germline.

PreventionGenetics, part of Exact Sciences
Classification: Likely benign for COL18A1-related condition. Last evaluated: 2021-03-12. Review status: no assertion criteria provided. Collection method: clinical testing. Allele origin: germline. Not counted in ClinVar's aggregate classification.
Comment: This variant is classified as likely benign based on ACMG/AMP sequence variant interpretation guidelines (Richards et al. 2015 PMID: 25741868, with internal and published modifications).

NM_001379500.1(COL18A1):c.107-11497G>C

Gene: COL18A1 (collagen type XVIII alpha 1 chain; plus strand). Cytogenetic location: 21q22.3.
Variant type: single nucleotide variant.
Coding change: c.107-11497G>C on transcript NM_001379500.1 (MANE Select); 11497 bases into the intron before coding-DNA position 107, G replaced by C.
Molecular consequence: intron variant. On other transcripts: synonymous variant (1).
Genome position (GRCh38, 1-based): chr21:45,456,745, G>C. VCF-style: chr21-45456745-G-C. GRCh37 (hg19) VCF-style: chr21-46876659-G-C.
Other names: c.1215G>C, p.Pro405= (NM_130444.3); c.646+569G>C (NM_030582.4).
Identifiers: ClinVar variation 3032097 (VCV003032097.3), dbSNP rs992790271, ClinGen allele CA1139768243.